The following is an entry in ClinVar:

NM_002539.3(ODC1):c.866dup (p.Asn289fs)

Gene: ODC1 (ornithine decarboxylase 1; minus strand). Cytogenetic location: 2p25.1.
Variant type: Duplication.
Coding change: c.866dup on transcript NM_002539.3 (MANE Select); coding-DNA position 866, one base duplicated (A; older notation c.866dupA).
Protein change: p.Asn289fs; shifts the reading frame from asparagine 289.
Molecular consequence: frameshift variant.
Genome position (GRCh38, 1-based): chr2:10,442,059, T duplicated on the plus strand (A on the coding strand, the reverse complement: ODC1 is on the minus strand); the first of 2 consecutive T bases (chr2:10,442,059-10,442,060); duplicating either gives the same sequence. VCF-style (leftmost placement, unchanged base first): chr2-10442058-A-AT. GRCh37 (hg19) VCF-style: chr2-10582184-A-AT.
Other names: c.479dup, p.Asn160fs (NM_001287188.2); c.866dup, p.Asn289fs (NM_001287189.2, NM_001287190.2); short protein forms N160fs, N289fs.
Identifiers: ClinVar variation 4875214 (VCV004875214.2).

ClinVar aggregate classification (germline): Uncertain significance (1 of 4 stars; one submission).

Submission:

CeGaT Center for Human Genetics Tuebingen
Classification: Uncertain significance. Last evaluated: 2026-06-01. Review status: criteria provided, single submitter. Criteria: CeGaT Center For Human Genetics Tuebingen Variant Classification Criteria Version 2. Collection method: clinical testing. Allele origin: germline. Affected: yes. Observed: 1 variant allele.
Comment: ODC1: PM2, BP5